The following is an entry in ClinVar:

ClinVar aggregate classification (germline): Uncertain significance (1 of 4 stars; one submission).

gnomAD v4.1: 3 of 1,612,676 alleles (0.00019%); highest among the groups gnomAD compares: Non-Finnish European, 0.00025%; no homozygotes.

Submission:

Ambry Genetics
Classification: Uncertain significance. Last evaluated: 2025-04-01. Review status: criteria provided, single submitter. Criteria: Ambry Variant Classification Scheme 2023. Collection method: clinical testing. Allele origin: germline.
Comment: The p.S281F variant (also known as c.842C>T), located in coding exon 7 of the RAD51B gene, results from a C to T substitution at nucleotide position 842. The serine at codon 281 is replaced by phenylalanine, an amino acid with highly dissimilar properties. This amino acid position is conserved. In addition, the in silico prediction for this alteration is inconclusive. Based on the available evidence, the clinical significance of this variant remains unclear.

NM_133510.4(RAD51B):c.842C>T (p.Ser281Phe)

Gene: RAD51B (RAD51 paralog B; plus strand). Cytogenetic location: 14q24.1.
Variant type: single nucleotide variant.
Coding change: c.842C>T on transcript NM_133510.4 (MANE Select); coding-DNA position 842, C replaced by T.
Protein change: p.Ser281Phe; replaces serine 281 with phenylalanine.
Molecular consequence: missense variant.
Genome position (GRCh38, 1-based): chr14:68,291,969, C>T. VCF-style: chr14-68291969-C-T. GRCh37 (hg19) VCF-style: chr14-68758686-C-T.
Other names: c.842C>T, p.Ser281Phe (NM_001321809.2, NM_001321810.2, NM_001321812.1 and 6 more transcripts); c.728C>T, p.Ser243Phe (NM_001321815.1); c.485C>T, p.Ser162Phe (NM_001321817.2); short protein forms S281F, S243F, S162F.
Identifiers: ClinVar variation 3942283 (VCV003942283.1).